The following is an entry in ClinVar:

NM_000179.3(MSH6):c.3847_3848dup (p.Thr1284fs)

Gene: MSH6 (mutS homolog 6; plus strand). Cytogenetic location: 2p16.3.
Variant type: Duplication.
Coding change: c.3847_3848dup on transcript NM_000179.3 (MANE Select); coding-DNA positions 3847 to 3848, 2 bases duplicated (AT; older notation c.3847_3848dupAT).
Protein change: p.Thr1284fs; shifts the reading frame from threonine 1284.
Molecular consequence: frameshift variant.
Genome position (GRCh38, 1-based): chr2:47,806,497-47,806,498, AT duplicated; duplicating any 2 consecutive bases within chr2:47,806,496-47,806,498 gives the same sequence; the c. name uses the placement nearest the transcript's 3' end. VCF-style (leftmost placement, unchanged base first): chr2-47806495-C-CTA. GRCh37 (hg19) VCF-style: chr2-48033634-C-CTA.
Other names: c.3457_3458dup, p.Thr1154fs (NM_001281492.2); c.2941_2942dup, p.Thr982fs (NM_001281493.2, NM_001281494.2); c.3943_3944dup, p.Thr1316Leufs (NM_001406795.1); c.3847_3848dup, p.Thr1284Leufs (NM_001406796.1, NM_001406808.1, NM_001406809.1); c.3550_3551dup, p.Thr1185Leufs (NM_001406797.1, NM_001406801.1, NM_001406805.1 and 10 more transcripts); c.3673_3674dup, p.Thr1226Leufs (NM_001406798.1); c.3322_3323dup, p.Thr1109Leufs (NM_001406799.1, NM_001406806.1, NM_001406807.1); c.3834_3835dup, p.Leu1279Tyrfs (NM_001406800.1); and 10 more; short protein forms T982fs, T1154fs, T1284fs.
Identifiers: ClinVar variation 1735472 (VCV001735472.2), dbSNP rs2530859748, ClinGen allele CA2580067394.

ClinVar aggregate classification (germline): Pathogenic (1 of 4 stars; one submission).

Conditions:
Hereditary cancer-predisposing syndrome. Also called: Neoplastic Syndromes, Hereditary; Tumor predisposition; Hereditary Cancer Syndrome; Hereditary neoplastic syndrome. Identifiers: Orphanet 140162, MedGen C0027672, MeSH D009386, MONDO:0015356.

Submission:

Ambry Genetics
Classification: Pathogenic for Hereditary cancer-predisposing syndrome. Last evaluated: 2018-05-29. Review status: criteria provided, single submitter. Criteria: Ambry Variant Classification Scheme 2023. Collection method: clinical testing. Allele origin: germline.
Comment: The c.3847_3848dupAT pathogenic mutation, located in coding exon 9 of the MSH6 gene, results from a duplication of AT at nucleotide position 3847, causing a translational frameshift with a predicted alternate stop codon (p.T1284Lfs*44). This alteration is expected to result in loss of function by premature protein truncation. As such, this alteration is interpreted as a disease-causing mutation.